The following is an entry in ClinVar:

NM_144997.7(FLCN):c.837C>T (p.Thr279=)

Gene: FLCN (folliculin; minus strand). Cytogenetic location: 17p11.2.
Variant type: single nucleotide variant.
Coding change: c.837C>T on transcript NM_144997.7 (MANE Select); coding-DNA position 837, C replaced by T.
Protein change: p.Thr279=; no amino-acid change (threonine 279 retained).
Molecular consequence: synonymous variant.
Genome position (GRCh38, 1-based): chr17:17,221,571, G>A on the plus strand (C>T on the coding strand, the complement: FLCN is on the minus strand). VCF-style: chr17-17221571-G-A. GRCh37 (hg19) VCF-style: chr17-17124885-G-A.
Other names: c.891C>T, p.Thr297= (NM_001353229.2); c.837C>T, p.Thr279= (NM_001353230.2, NM_001353231.2, NM_144606.7).
Identifiers: ClinVar variation 1106561 (VCV001106561.10), dbSNP rs751877389, ClinGen allele CA8416277.

ClinVar aggregate classification (germline): Benign/Likely benign. Review status: criteria provided, multiple submitters, no conflicts (2 of 4 stars). 3 submissions from 3 submitters: Benign (1); Likely benign (2). Last evaluated 2025-12-31.

Conditions:
Hereditary cancer-predisposing syndrome. Also called: Hereditary neoplastic syndrome; Tumor predisposition; Neoplastic Syndromes, Hereditary; Hereditary Cancer Syndrome. Identifiers: Orphanet 140162, MedGen C0027672, MeSH D009386, MONDO:0015356.
Birt-Hogg-Dube syndrome. Also called: Birt Hogg Dubé syndrome. Identifiers: Orphanet 122, MedGen C0346010, MONDO:0800444.
Birt-Hogg-Dube syndrome 1 (BHD1). Also called: FIBROFOLLICULOMAS WITH TRICHODISCOMAS AND ACROCHORDONS. Identifiers: Orphanet 122, MedGen CN375946, MONDO:0800445, OMIM 135150.

Allele frequency attached by ClinVar (database versions not stated): ExAC 0.00001; gnomAD exomes 0.00001; TOPMed 0.00001.
gnomAD v4.1: 10 of 1,612,084 alleles (0.00062%); highest among the groups gnomAD compares: Admixed American, 0.0033%; no homozygotes.

Submissions (3):

Labcorp Genetics (formerly Invitae), Labcorp
Classification: Likely benign for Birt-Hogg-Dube syndrome. Last evaluated: 2025-12-31. Review status: criteria provided, single submitter. Criteria: Invitae Variant Classification Sherloc (09022015). Collection method: clinical testing. Allele origin: germline.

Myriad Genetics, Inc.
Classification: Benign for Birt-Hogg-Dube syndrome 1. Last evaluated: 2024-10-23. Review status: criteria provided, single submitter. Criteria: Myriad Autosomal Dominant, Autosomal Recessive and X-Linked Classification Criteria (2023). Collection method: clinical testing. Allele origin: unknown.
Comment: This variant is considered benign. This variant is a silent/synonymous amino acid change and it is not expected to impact splicing.

Ambry Genetics
Classification: Likely benign for Hereditary cancer-predisposing syndrome. Last evaluated: 2021-09-27. Review status: criteria provided, single submitter. Criteria: Ambry Variant Classification Scheme 2023. Collection method: clinical testing. Allele origin: germline.